The following is an entry in ClinVar:

NM_001353345.2(SETD1B):c.3977C>G (p.Pro1326Arg)

Gene: SETD1B (SET domain containing 1B, histone lysine methyltransferase; plus strand). Cytogenetic location: 12q24.31.
Variant type: single nucleotide variant.
Coding change: c.3977C>G on transcript NM_001353345.2 (MANE Select); coding-DNA position 3977, C replaced by G.
Protein change: p.Pro1326Arg; replaces proline 1326 with arginine.
Molecular consequence: missense variant.
Genome position (GRCh38, 1-based): chr12:121,822,556, C>G. VCF-style: chr12-121822556-C-G. GRCh37 (hg19) VCF-style: chr12-122260462-C-G.
Other names: short protein forms P1326R.
Identifiers: ClinVar variation 4527606 (VCV004527606.1).
Genomic context (GRCh38, chr12:121,822,556, plus strand): 5'-ACCTGGAAGTGGAGCCGGAGCCCCCTATGATGCTCCCCTTGCCGCTGCAACCACCATTGC[C>G]GCCCCCACGACCACCCCGGCCACCCAGCCCACCGCCGGAGCCTGAGACCACAGATGCCTC-3'
Protein context (NP_001340274.1, residues 1316-1336): MLPLPLQPPL[Pro1326Arg]PPRPPRPPSP

ClinVar aggregate classification (germline): Uncertain significance (1 of 4 stars; one submission).

Submission:

GeneDx
Classification: Uncertain significance. Last evaluated: 2025-04-24. Review status: criteria provided, single submitter. Criteria: GeneDx Variant Classification Process June 2021. Collection method: clinical testing. Allele origin: germline. Affected: yes.
Comment: Not observed at significant frequency in large population cohorts (gnomAD); In silico analysis supports that this missense variant has a deleterious effect on protein structure/function; Has not been previously published as pathogenic or benign to our knowledge